The following is an entry in ClinVar:

ClinVar aggregate classification (germline): Uncertain significance (1 of 4 stars; one submission).

Conditions:
Vertebral, cardiac, tracheoesophageal, renal, and limb defects. Also called: VCTERL SYNDROME. Identifiers: MedGen C5543189, MONDO:0030987, OMIM 619227.

gnomAD v4.1: 7 of 1,614,106 alleles (0.00043%); highest among the groups gnomAD compares: Non-Finnish European, 0.00059%; no homozygotes.

Submission:

Pittsburgh Clinical Genomics Laboratory, University of Pittsburgh Medical Center
Classification: Uncertain significance for Vertebral, cardiac, tracheoesophageal, renal, and limb defects. Last evaluated: 2024-04-18. Review status: criteria provided, single submitter. Criteria: ACMG Guidelines, 2015. Collection method: clinical testing. Allele origin: germline. Inheritance: Autosomal dominant inheritance. Affected: yes.
Comment: This sequence variant is a single nucleotide substitution (A>G) at position 1067 of the coding sequence of the WBP11 gene that results in an aspartic acid to glycine amino acid change at residue 356 of WW domain binding protein 11. This variant is absent from ClinVar and has not been reported in published literature, to our knowledge. This variant is present in 7 of 1614106 alleles (0.0004337%) in the gnomAD v4.0.0 population dataset. Bioinformatic tools are inconclusive if this variant is likely to be damaging or tolerated, and the Asp356 residue at this position is highly conserved across the vertebrate species examined. Studies examining the functional consequence of this variant have not been published, to our knowledge. At this time, there is insufficient evidence to determine if this variant is pathogenic or benign. Therefore, we consider this a variant of uncertain significance. ACMG Criteria: PM2

NM_016312.3(WBP11):c.1067A>G (p.Asp356Gly)

Gene: WBP11 (WW domain binding protein 11; minus strand). Cytogenetic location: 12p12.3.
Variant type: single nucleotide variant.
Coding change: c.1067A>G on transcript NM_016312.3 (MANE Select); coding-DNA position 1067, A replaced by G.
Protein change: p.Asp356Gly; replaces aspartic acid 356 with glycine.
Molecular consequence: missense variant.
Genome position (GRCh38, 1-based): chr12:14,790,698, T>C on the plus strand (A>G on the coding strand, the complement: WBP11 is on the minus strand). VCF-style: chr12-14790698-T-C. GRCh37 (hg19) VCF-style: chr12-14943632-T-C.
Other names: short protein forms D356G.
Identifiers: ClinVar variation 3376466 (VCV003376466.1).